The following is an entry in ClinVar:

NM_001927.4(DES):c.799A>G (p.Lys267Glu)

Gene: DES (desmin; plus strand). Cytogenetic location: 2q35.
Variant type: single nucleotide variant.
Coding change: c.799A>G on transcript NM_001927.4 (MANE Select); coding-DNA position 799, A replaced by G.
Protein change: p.Lys267Glu; replaces lysine 267 with glutamic acid.
Molecular consequence: missense variant. On other transcripts: intron variant (1).
Genome position (GRCh38, 1-based): chr2:219,420,558, A>G. VCF-style: chr2-219420558-A-G. GRCh37 (hg19) VCF-style: chr2-220285280-A-G.
Other names: c.796A>G, p.Lys266Glu (NM_001382708.1); c.735+212A>G (NM_001382709.1); c.799A>G, p.Lys267Glu (NM_001382710.1, NM_001382711.1, NM_001382712.1); c.529A>G, p.Lys177Glu (NM_001382713.1); short protein forms K266E, K267E, K177E.
Identifiers: ClinVar variation 4783731 (VCV004783731.1).

ClinVar aggregate classification (germline): Uncertain significance (1 of 4 stars; one submission).

Conditions:
Desmin-related myofibrillar myopathy (MFM1). Also called: Desminopathy; Desmin related myopathy (former name); Desmin storage myopathy (former name); MYOFIBRILLAR MYOPATHY WITH ARRHYTHMOGENIC RIGHT VENTRICULAR CARDIOMYOPATHY; DESMIN-RELATED MYOPATHY WITH ARRHYTHMOGENIC RIGHT VENTRICULAR CARDIOMYOPATHY; Myofibrillar myopathy 1. Identifiers: Orphanet 363543, Orphanet 98909, MedGen C1832370, MONDO:0011076, OMIM 601419.

gnomAD v4.1: 1 of 1,613,932 alleles (0.000062%); highest among the groups gnomAD compares: Non-Finnish European, 0.000085%; no homozygotes.

Submission:

Labcorp Genetics (formerly Invitae), Labcorp
Classification: Uncertain significance for Desmin-related myofibrillar myopathy. Last evaluated: 2025-11-03. Review status: criteria provided, single submitter. Criteria: Invitae Variant Classification Sherloc (09022015). Collection method: clinical testing. Allele origin: germline.
Comment: This sequence change replaces lysine, which is basic and polar, with glutamic acid, which is acidic and polar, at codon 267 of the DES protein (p.Lys267Glu). This variant is not present in population databases (gnomAD no frequency). This variant has not been reported in the literature in individuals affected with DES-related conditions. Invitae Evidence Modeling of protein sequence and biophysical properties (such as structural, functional, and spatial information, amino acid conservation, physicochemical variation, residue mobility, and thermodynamic stability) has been performed for this missense variant. However, the output from this modeling did not meet the statistical confidence thresholds required to predict the impact of this variant on DES protein function. In summary, the available evidence is currently insufficient to determine the role of this variant in disease. Therefore, it has been classified as a Variant of Uncertain Significance.